The following is an entry in ClinVar:

ClinVar aggregate classification (germline): Uncertain significance (1 of 4 stars; one submission).

Conditions:
Ataxia-telangiectasia syndrome (AT). Also called: Ataxia-telangiectasia, complementation group D; AT, COMPLEMENTATION GROUP C; ATAXIA-TELANGIECTASIA, COMPLEMENTATION GROUP A; ATAXIA-TELANGIECTASIA, FRESNO VARIANT; Ataxia-telangiectasia; Ataxia-telangiectasia, complementation group E. Identifiers: Orphanet 100, MedGen C0004135, MONDO:0008840, OMIM 208900.

Submission:

Labcorp Genetics (formerly Invitae), Labcorp
Classification: Uncertain significance for Ataxia-telangiectasia syndrome. Last evaluated: 2024-08-01. Review status: criteria provided, single submitter. Criteria: Invitae Variant Classification Sherloc (09022015). Collection method: clinical testing. Allele origin: germline.
Comment: This sequence change replaces alanine, which is neutral and non-polar, with threonine, which is neutral and polar, at codon 2131 of the ATM protein (p.Ala2131Thr). This variant is not present in population databases (gnomAD no frequency). This variant has not been reported in the literature in individuals affected with ATM-related conditions. An algorithm developed to predict the effect of missense changes on protein structure and function (PolyPhen-2) suggests that this variant is likely to be disruptive. In summary, the available evidence is currently insufficient to determine the role of this variant in disease. Therefore, it has been classified as a Variant of Uncertain Significance.

NM_000051.4(ATM):c.6391G>A (p.Ala2131Thr)

Genes: ATM (ATM serine/threonine kinase; plus strand), C11orf65 (chromosome 11 open reading frame 65; minus strand). Cytogenetic location: 11q22.3.
Variant type: single nucleotide variant.
Coding change: c.6391G>A on transcript NM_000051.4 (MANE Select); coding-DNA position 6391, G replaced by A.
Protein change: p.Ala2131Thr; replaces alanine 2131 with threonine.
Molecular consequence: missense variant. On other transcripts: intron variant (2).
Genome position (GRCh38, 1-based): chr11:108,319,997, G>A. VCF-style: chr11-108319997-G-A. GRCh37 (hg19) VCF-style: chr11-108190724-G-A.
Other names: c.6391G>A, p.Ala2131Thr (NM_001351834.2); c.641-10926C>T (NM_001330368.2); c.*39-10926C>T (NM_001351110.2); short protein forms A2131T.
Identifiers: ClinVar variation 3661190 (VCV003661190.2).